The following is an entry in ClinVar:

ClinVar aggregate classification (germline): drug response. Review status: reviewed by expert panel (3 of 4 stars). 10 submissions from 9 submitters: drug response (2). 8 of the submissions do not count toward it. Last evaluated 2021-03-29.

Conditions:
DPYD-related disorder. Also called: DPYD-related condition.
Dihydropyrimidine dehydrogenase deficiency (DPYDD). Also called: DPD DEFICIENCY; DPYD DEFICIENCY; Hereditary Thymine-Uraciluria. Identifiers: Orphanet 1675, MedGen C1959620, MONDO:0010130, OMIM 274270.
fluorouracil response - Toxicity.
capecitabine response - Toxicity.

Allele frequency attached by ClinVar (database versions not stated): 1000 Genomes Project 30x 0.05481; 1000 Genomes Project 0.05651; TOPMed 0.06899; ESP Exome Variant Server 0.07935; gnomAD 0.07989 and 0.08071; gnomAD exomes 0.08532 and 0.09070; ExAC 0.08637.

Submissions (14):

ClinPGx
Classification: drug response for fluorouracil response - Toxicity. Last evaluated: 2021-03-29. Review status: reviewed by expert panel. Criteria: Pharmacogenomics knowledge for personalized medicine. Collection method: curation. Allele origin: germline. Affected: yes.
Comment: PharmGKB Level of Evidence 1A: Level 1A clinical annotations describe variant-drug combinations that have variant-specific prescribing guidance available in a current clinical guideline annotation or an FDA-approved drug label annotation. Annotations of drug labels or clinical guidelines must give prescribing guidance for specific variants (e.g. CYP2C9*3, HLA-B*57:01) or provide mapping from defined allele functions to diplotypes and phenotypes to be used as supporting evidence for a level 1A clinical annotation. Level 1A clinical annotations must also be supported by at least one publication in addition to a clinical guideline or drug label with variant-specific prescribing guidance.

Drug is not necessarily used to treat response condition

ClinPGx
Classification: drug response for capecitabine response - Toxicity. Last evaluated: 2021-03-24. Review status: reviewed by expert panel. Criteria: Pharmacogenomics knowledge for personalized medicine. Collection method: curation. Allele origin: germline. Affected: yes.
Comment: the same text as in the submission from ClinPGx above.

CeGaT Center for Human Genetics Tuebingen
Classification: Benign. Last evaluated: 2025-06-01. Review status: criteria provided, single submitter. Criteria: CeGaT Center For Human Genetics Tuebingen Variant Classification Criteria Version 2. Collection method: clinical testing. Allele origin: germline. Affected: yes. Observed: 9 variant alleles. Not counted in ClinVar's aggregate classification.
Comment: DPYD: BS1, BS2

Blueprint Genetics
Classification: Likely benign. Last evaluated: 2024-11-26. Review status: criteria provided, single submitter. Criteria: ACMG Guidelines, 2015. Collection method: clinical testing. Allele origin: germline. Not counted in ClinVar's aggregate classification.

Genome-Nilou Lab
Classification: Uncertain significance for Dihydropyrimidine dehydrogenase deficiency. Last evaluated: 2023-04-11. Review status: criteria provided, single submitter. Criteria: ACMG Guidelines, 2015. Collection method: clinical testing. Allele origin: germline. Affected: no. Not counted in ClinVar's aggregate classification.

Illumina Laboratory Services, Illumina
Classification: Likely benign for Dihydropyrimidine dehydrogenase deficiency. Last evaluated: 2017-04-27. Review status: criteria provided, single submitter. Criteria: ICSL Variant Classification Criteria 13 December 2019. Collection method: clinical testing. Allele origin: germline. Not counted in ClinVar's aggregate classification.
Comment: This variant was observed as part of a predisposition screen in an ostensibly healthy population. A literature search was performed for the gene, cDNA change, and amino acid change (where applicable). No publications were found based on this search. Allele frequency data from public databases allowed determination this variant is unlikely to cause disease. Therefore, this variant is classified as likely benign.

Athena Diagnostics
Classification: Benign. Last evaluated: 2017-04-20. Review status: criteria provided, single submitter. Criteria: Athena Diagnostics Criteria. Collection method: clinical testing. Allele origin: germline. Not counted in ClinVar's aggregate classification.

Eurofins Ntd Llc (ga)
Classification: Benign. Last evaluated: 2016-08-29. Review status: criteria provided, single submitter. Criteria: EGL Classification Definitions 2015. Collection method: clinical testing. Allele origin: germline. Observed: 1 variant allele, 1 heterozygote. Not counted in ClinVar's aggregate classification.

PreventionGenetics, part of Exact Sciences
Classification: Benign for DPYD-related condition. Last evaluated: 2023-12-14. Review status: no assertion criteria provided. Collection method: clinical testing. Allele origin: germline. Not counted in ClinVar's aggregate classification.
Comment: This variant is classified as benign based on ACMG/AMP sequence variant interpretation guidelines (Richards et al. 2015 PMID: 25741868, with internal and published modifications).

Diasio Lab,  Mayo Clinic
No classification provided. Review status: no classification provided. Collection method: not provided. Allele origin: unknown. Not counted in ClinVar's aggregate classification.

Dr. Peter K. Rogan Lab, Western University
No classification provided (evidence only). Condition: Colorectal cancer. Review status: no classification provided. Collection method: in vitro. Allele origin: not applicable. Functional consequence: retained intron. Not counted in ClinVar's aggregate classification.

Dr. Peter K. Rogan Lab, Western University
No classification provided (evidence only). Condition: Colorectal cancer. Review status: no classification provided. Collection method: in vitro. Allele origin: not applicable. Functional consequence: retained intron. Not counted in ClinVar's aggregate classification.

Dr. Peter K. Rogan Lab, Western University
No classification provided (evidence only). Condition: Adrenocortical carcinoma, hereditary. Review status: no classification provided. Collection method: in vitro. Allele origin: not applicable. Functional consequence: retained intron. Not counted in ClinVar's aggregate classification.

Dr. Peter K. Rogan Lab, Western University
No classification provided (evidence only). Condition: Adrenocortical carcinoma, hereditary. Review status: no classification provided. Collection method: in vitro. Allele origin: not applicable. Functional consequence: retained intron. Not counted in ClinVar's aggregate classification.

Literature cited by the submitters: PubMed 11156223 (cited by ClinPGx); PubMed 14635116 (cited by ClinPGx); PubMed 18299612 (cited by ClinPGx); PubMed 19104657 (cited by ClinPGx); PubMed 19473056 (cited by ClinPGx); PubMed 19530960 (cited by ClinPGx); PubMed 20819423 (cited by ClinPGx); PubMed 22490566 (cited by ClinPGx); PubMed 23736036 (cited by ClinPGx); PubMed 24590654 (cited by ClinPGx); PubMed 24923815 (cited by ClinPGx); PubMed 26099996 (cited by ClinPGx); PubMed 26794347 (cited by ClinPGx); PubMed 29065426 (cited by ClinPGx); PubMed 29239269 (cited by ClinPGx); PubMed 30114658 (cited by ClinPGx); PubMed 30723313 (cited by ClinPGx); PubMed 21498394 (cited by ClinPGx); PubMed 24647007 (cited by ClinPGx); PubMed 25677447 (cited by ClinPGx); PubMed 25782327 (cited by ClinPGx); PubMed 28481884 (cited by ClinPGx).

NM_000110.4(DPYD):c.496A>G (p.Met166Val)

Gene: DPYD (dihydropyrimidine dehydrogenase; minus strand). Cytogenetic location: 1p21.3.
Variant type: single nucleotide variant.
Coding change: c.496A>G on transcript NM_000110.4 (MANE Select); coding-DNA position 496, A replaced by G.
Protein change: p.Met166Val; replaces methionine 166 with valine.
Molecular consequence: missense variant.
Genome position (GRCh38, 1-based): chr1:97,699,535, T>C on the plus strand (A>G on the coding strand, the complement: DPYD is on the minus strand). VCF-style: chr1-97699535-T-C. GRCh37 (hg19) VCF-style: chr1-98165091-T-C.
Other names: short protein forms M166V.
Identifiers: ClinVar variation 100116 (VCV000100116.39), dbSNP rs2297595, ClinGen allele CA228168.